The following is an entry in ClinVar:

ClinVar aggregate classification (germline): Uncertain significance (1 of 4 stars; one submission).

Conditions:
Inborn genetic diseases. Identifiers: MedGen C0950123, MeSH D030342.

Submission:

Ambry Genetics
Classification: Uncertain significance for Inborn genetic diseases. Last evaluated: 2026-07-05. Review status: criteria provided, single submitter. Criteria: Ambry Variant Classification Scheme 2023. Collection method: clinical testing. Allele origin: germline.
Comment: The p.G1124R variant (also known as c.3370G>C), located in coding exon 1 of the SAMD9L gene, results from a G to C substitution at nucleotide position 3370. The glycine at codon 1124 is replaced by arginine, an amino acid with dissimilar properties. This amino acid position is conserved. In addition, this alteration is predicted to be deleterious by in silico analysis. Based on the available evidence, the clinical significance of this variant remains unclear.

NM_152703.5(SAMD9L):c.3370G>C (p.Gly1124Arg)

Gene: SAMD9L (sterile alpha motif domain containing 9 like; minus strand). Cytogenetic location: 7q21.2.
Variant type: single nucleotide variant.
Coding change: c.3370G>C on transcript NM_152703.5 (MANE Select); coding-DNA position 3370, G replaced by C.
Protein change: p.Gly1124Arg; replaces glycine 1124 with arginine.
Molecular consequence: missense variant.
Genome position (GRCh38, 1-based): chr7:93,132,602, C>G on the plus strand (G>C on the coding strand, the complement: SAMD9L is on the minus strand). VCF-style: chr7-93132602-C-G. GRCh37 (hg19) VCF-style: chr7-92761915-C-G.
Other names: c.3370G>C, p.Gly1124Arg (NM_001303496.3, NM_001303497.3, NM_001303498.3 and 5 more transcripts); short protein forms G1124R.
Identifiers: ClinVar variation 5028876 (VCV005028876.1).